The following is an entry in ClinVar:

ClinVar aggregate classification (germline): Uncertain significance. Review status: criteria provided, multiple submitters, no conflicts (2 of 4 stars). 2 submissions from 2 submitters: Uncertain significance (2). Last evaluated 2026-05-08.

Conditions:
Hereditary cancer-predisposing syndrome. Also called: Neoplastic Syndromes, Hereditary; Tumor predisposition; Hereditary Cancer Syndrome; Hereditary neoplastic syndrome. Identifiers: Orphanet 140162, MedGen C0027672, MeSH D009386, MONDO:0015356.
Tuberous sclerosis 1 (TSC1). Identifiers: Orphanet 805, MedGen C1854465, MONDO:0008612, OMIM 191100.

Submissions (2):

Ambry Genetics
Classification: Uncertain significance for Hereditary cancer-predisposing syndrome. Last evaluated: 2026-05-08. Review status: criteria provided, single submitter. Criteria: Ambry Variant Classification Scheme 2023. Collection method: clinical testing. Allele origin: germline.
Comment: The p.E469K variant (also known as c.1405G>A), located in coding exon 12 of the TSC1 gene, results from a G to A substitution at nucleotide position 1405. The glutamic acid at codon 469 is replaced by lysine, an amino acid with similar properties. This amino acid position is well conserved in available vertebrate species. In addition, the in silico prediction for this alteration is inconclusive. Based on the available evidence, the clinical significance of this variant remains unclear.

Labcorp Genetics (formerly Invitae), Labcorp
Classification: Uncertain significance for Tuberous sclerosis 1. Last evaluated: 2021-08-22. Review status: criteria provided, single submitter. Criteria: Invitae Variant Classification Sherloc (09022015). Collection method: clinical testing. Allele origin: germline.
Comment: Algorithms developed to predict the effect of missense changes on protein structure and function (SIFT, PolyPhen-2, Align-GVGD) all suggest that this variant is likely to be tolerated. This variant has not been reported in the literature in individuals affected with TSC1-related conditions. This variant is not present in population databases (ExAC no frequency). This sequence change replaces glutamic acid with lysine at codon 469 of the TSC1 protein (p.Glu469Lys). The glutamic acid residue is weakly conserved and there is a small physicochemical difference between glutamic acid and lysine. In summary, the available evidence is currently insufficient to determine the role of this variant in disease. Therefore, it has been classified as a Variant of Uncertain Significance.

NM_000368.5(TSC1):c.1405G>A (p.Glu469Lys)

Gene: TSC1 (TSC complex subunit 1; minus strand). Cytogenetic location: 9q34.13.
Variant type: single nucleotide variant.
Coding change: c.1405G>A on transcript NM_000368.5 (MANE Select); coding-DNA position 1405, G replaced by A.
Protein change: p.Glu469Lys; replaces glutamic acid 469 with lysine.
Molecular consequence: missense variant.
Genome position (GRCh38, 1-based): chr9:132,906,764, C>T on the plus strand (G>A on the coding strand, the complement: TSC1 is on the minus strand). VCF-style: chr9-132906764-C-T. GRCh37 (hg19) VCF-style: chr9-135782151-C-T.
Other names: c.1402G>A, p.Glu468Lys (NM_001162426.2); c.1252G>A, p.Glu418Lys (NM_001162427.2); c.1042G>A, p.Glu348Lys (NM_001362177.2); c.1405G>A (NM_000368.4); short protein forms E468K, E469K, E348K, E418K.
Identifiers: ClinVar variation 1374663 (VCV001374663.7), dbSNP rs2131863649, ClinGen allele CA375365888.